The following is an entry in ClinVar:

ClinVar aggregate classification (germline): Uncertain significance (1 of 4 stars; one submission).

Conditions:
Immunodeficiency. Identifiers: MedGen C0021051, MONDO:0021094, HP:0002721.

gnomAD v4.1: 6 of 1,614,084 alleles (0.00037%); highest among the groups gnomAD compares: Non-Finnish European, 0.00042%; no homozygotes.

Submission:

Labcorp Genetics (formerly Invitae), Labcorp
Classification: Uncertain significance for Immunodeficiency. Last evaluated: 2025-06-04. Review status: criteria provided, single submitter. Criteria: Invitae Variant Classification Sherloc (09022015). Collection method: clinical testing. Allele origin: germline.
Comment: This sequence change replaces glutamine, which is neutral and polar, with arginine, which is basic and polar, at codon 1037 of the NFAT5 protein (p.Gln1037Arg). This variant is present in population databases (no rsID available, gnomAD 0.0009%). This variant has not been reported in the literature in individuals affected with NFAT5-related conditions. An algorithm developed to predict the effect of missense changes on protein structure and function (PolyPhen-2) suggests that this variant is likely to be tolerated. In summary, the available evidence is currently insufficient to determine the role of this variant in disease. Therefore, it has been classified as a Variant of Uncertain Significance.

NM_138713.4(NFAT5):c.3392A>G (p.Gln1131Arg)

Gene: NFAT5 (nuclear factor of activated T cells 5; plus strand). Cytogenetic location: 16q22.1.
Variant type: single nucleotide variant.
Coding change: c.3392A>G on transcript NM_138713.4 (MANE Select); coding-DNA position 3392, A replaced by G.
Protein change: p.Gln1131Arg; replaces glutamine 1131 with arginine.
Molecular consequence: missense variant.
Genome position (GRCh38, 1-based): chr16:69,693,217, A>G. VCF-style: chr16-69693217-A-G. GRCh37 (hg19) VCF-style: chr16-69727120-A-G.
Other names: c.3389A>G, p.Gln1130Arg (NM_001113178.3); c.2717A>G, p.Gln906Arg (NM_001367709.1); c.3338A>G, p.Gln1113Arg (NM_006599.4); c.3110A>G, p.Gln1037Arg (NM_138714.4, NM_173214.3, NM_173215.3); short protein forms Q1130R, Q1037R, Q1113R, Q1131R, Q906R.
Identifiers: ClinVar variation 4698524 (VCV004698524.1).